The following is an entry in ClinVar:

ClinVar aggregate classification (germline): Uncertain significance (1 of 4 stars; one submission).

Conditions:
Arrhythmogenic right ventricular dysplasia 9 (ARVD9). Also called: ARRHYTHMOGENIC RIGHT VENTRICULAR DYSPLASIA, FAMILIAL, 9; Arrhythmogenic Right Ventricular Dysplasia/Cardiomyopathy 9. Identifiers: MedGen C1836906, MONDO:0012180, OMIM 609040.

gnomAD v4.1: 3 of 1,608,272 alleles (0.00019%); highest among the groups gnomAD compares: Non-Finnish European, 0.00026%; no homozygotes.

Submission:

ARUP Laboratories, Molecular Genetics and Genomics, ARUP Laboratories
Classification: Uncertain significance for Arrhythmogenic right ventricular dysplasia 9. Last evaluated: 2024-05-10. Review status: criteria provided, single submitter. Criteria: ARUP Molecular Germline Variant Investigation Process 2024. Collection method: clinical testing. Allele origin: germline.
Comment: The PKP2 c.1378+5T>G variant (rs767415624), to our knowledge, is not reported in the medical literature or gene specific databases. This variant is only observed on one allele in the Genome Aggregation Database (v2.1.1), indicating it is not a common polymorphism. This is an intronic variant and computational analyses (Alamut Visual Plus v.1.5.1) predict that this variant does not alter splicing. However, since this variant is located within the minimal splice region, the clinical significance of this variant is uncertain at this time.

NM_001005242.3(PKP2):c.1378+5T>G

Gene: PKP2 (plakophilin 2; minus strand). Cytogenetic location: 12p11.21.
Variant type: single nucleotide variant.
Coding change: c.1378+5T>G on transcript NM_001005242.3 (MANE Select); 5 bases into the intron after coding-DNA position 1378, T replaced by G.
Molecular consequence: intron variant.
Genome position (GRCh38, 1-based): chr12:32,850,761, A>C on the plus strand (T>G on the coding strand, the complement: PKP2 is on the minus strand). VCF-style: chr12-32850761-A-C. GRCh37 (hg19) VCF-style: chr12-33003695-A-C.
Other names: c.1378+5T>G (NM_001407156.1, NM_001407155.1, NM_004572.4 and 2 more transcripts); c.1051+5T>G (NM_001407160.1, NM_001407159.1, NM_001407158.1 and 1 more transcripts).
Identifiers: ClinVar variation 3766610 (VCV003766610.1).
Genomic context (GRCh38, chr12:32,850,761, plus strand): 5'-GATGATGTAAGGCATCTGGCTGGGGTGCAAATGTGTTAGGTTCTTCAATGTTCAGTAAGC[A>C]CTACCTGTTATTTGTTTTTTAGTCTCCAAGTCTCTGGTTTGCTTCAGCACCTGGAGCAGC-3'